The following is an entry in ClinVar:

ClinVar aggregate classification (germline): Conflicting classifications of pathogenicity. Review status: criteria provided, conflicting classifications (1 of 4 stars). 3 submissions from 3 submitters: Uncertain significance (1); Likely benign (2). Last evaluated 2025-04-29.

Conditions:
Inborn genetic diseases. Identifiers: MedGen C0950123, MeSH D030342.

Allele frequency attached by ClinVar (database versions not stated): ESP Exome Variant Server 0.00008; gnomAD exomes 0.00009; TOPMed 0.00010; gnomAD 0.00018; ExAC 0.00038.

Submissions (3):

Labcorp Genetics (formerly Invitae), Labcorp
Classification: Likely benign. Last evaluated: 2025-04-29. Review status: criteria provided, single submitter. Criteria: Invitae Variant Classification Sherloc (09022015). Collection method: clinical testing. Allele origin: germline.

Mayo Clinic Laboratories, Mayo Clinic
Classification: Uncertain significance. Last evaluated: 2024-09-20. Review status: criteria provided, single submitter. Criteria: ACMG Guidelines, 2015. Collection method: clinical testing. Allele origin: germline. Observed: 1 variant allele.
Comment: BP4

Ambry Genetics
Classification: Likely benign for Inborn genetic diseases. Last evaluated: 2021-06-25. Review status: criteria provided, single submitter. Criteria: Ambry Variant Classification Scheme 2023. Collection method: clinical testing. Allele origin: germline.

Literature cited by the submitters: PubMed 27658901 (cited by Mayo Clinic Laboratories, Mayo Clinic); PubMed 28716534 (cited by Mayo Clinic Laboratories, Mayo Clinic); PubMed 33527991 (cited by Mayo Clinic Laboratories, Mayo Clinic).

NM_003332.4(TYROBP):c.5G>A (p.Gly2Glu)

Gene: TYROBP (transmembrane immune signaling adaptor TYROBP; minus strand). Cytogenetic location: 19q13.12.
Variant type: single nucleotide variant.
Coding change: c.5G>A on transcript NM_003332.4 (MANE Select); coding-DNA position 5, G replaced by A.
Protein change: p.Gly2Glu; replaces glycine 2 with glutamic acid.
Molecular consequence: missense variant. On other transcripts: non-coding transcript variant (1).
Genome position (GRCh38, 1-based): chr19:35,908,224, C>T on the plus strand (G>A on the coding strand, the complement: TYROBP is on the minus strand). VCF-style: chr19-35908224-C-T. GRCh37 (hg19) VCF-style: chr19-36399126-C-T.
Other names: p.Gly2Glu; c.5G>A, p.Gly2Glu (NM_001173514.2, NM_001173515.2, NM_198125.3); short protein forms G2E.
Identifiers: ClinVar variation 2053949 (VCV002053949.6), dbSNP rs200649978, ClinGen allele CA9393167.